The following is an entry in ClinVar:

NM_172107.4(KCNQ2):c.1870G>A (p.Gly624Arg)

Gene: KCNQ2 (potassium voltage-gated channel subfamily Q member 2; minus strand). Cytogenetic location: 20q13.33.
Variant type: single nucleotide variant.
Coding change: c.1870G>A on transcript NM_172107.4 (MANE Select); coding-DNA position 1870, G replaced by A.
Protein change: p.Gly624Arg; replaces glycine 624 with arginine.
Molecular consequence: missense variant.
Genome position (GRCh38, 1-based): chr20:63,408,430, C>T on the plus strand (G>A on the coding strand, the complement: KCNQ2 is on the minus strand). VCF-style: chr20-63408430-C-T. GRCh37 (hg19) VCF-style: chr20-62039783-C-T.
Other names: c.1786G>A, p.Gly596Arg (NM_004518.6); c.1816G>A, p.Gly606Arg (NM_172106.3); c.1777G>A, p.Gly593Arg (NM_172108.5); c.1870G>A (NM_172107.3); short protein forms G624R, G593R, G606R, G596R.
Identifiers: ClinVar variation 580776 (VCV000580776.8), dbSNP rs771211103, ClinGen allele CA9958230.

ClinVar aggregate classification (germline): Uncertain significance. Review status: criteria provided, multiple submitters, no conflicts (2 of 4 stars). 2 submissions from 2 submitters: Uncertain significance (2). Last evaluated 2025-11-25.

Conditions:
KCNQ2-Related Disorders. Also called: KCNQ2-related condition; KCNQ2-related disorder. Identifiers: MedGen CN169299.
Early-infantile DEE. Also called: Ohtahara syndrome; Early infantile epileptic encephalopathy with suppression bursts; Early infantile epileptic encephalopathy. Identifiers: Orphanet 1934, MedGen C0393706, MONDO:0800491.

Allele frequency attached by ClinVar (database versions not stated): ExAC 0.00001; gnomAD exomes 0.00001.
gnomAD v4.1: 11 of 1,608,654 alleles (0.00068%); highest among the groups gnomAD compares: Admixed American, 0.0033%; no homozygotes.

Submissions (2):

Labcorp Genetics (formerly Invitae), Labcorp
Classification: Uncertain significance for Early-infantile DEE. Last evaluated: 2025-11-25. Review status: criteria provided, single submitter. Criteria: Invitae Variant Classification Sherloc (09022015). Collection method: clinical testing. Allele origin: germline.
Comment: This sequence change replaces glycine, which is neutral and non-polar, with arginine, which is basic and polar, at codon 624 of the KCNQ2 protein (p.Gly624Arg). This variant is present in population databases (rs771211103, gnomAD 0.003%). This variant has not been reported in the literature in individuals affected with KCNQ2-related conditions. ClinVar contains an entry for this variant (Variation ID: 580776). Invitae Evidence Modeling of protein sequence and biophysical properties (such as structural, functional, and spatial information, amino acid conservation, physicochemical variation, residue mobility, and thermodynamic stability) indicates that this missense variant is expected to disrupt KCNQ2 protein function with a positive predictive value of 95%. In summary, the available evidence is currently insufficient to determine the role of this variant in disease. Therefore, it has been classified as a Variant of Uncertain Significance.

PreventionGenetics, part of Exact Sciences
Classification: Uncertain significance for KCNQ2-related condition. Last evaluated: 2023-09-11. Review status: criteria provided, single submitter. Criteria: ACMG Guidelines, 2015. Collection method: clinical testing. Allele origin: germline.
Comment: The KCNQ2 c.1870G>A variant is predicted to result in the amino acid substitution p.Gly624Arg. This variant was reported in an individual with alternating hemiplegia of childhood; however, this individual carried additional candidate variants of uncertain significance, and the KCNQ2 variant was inherited from an unaffected father and absent from an affected sibling (Pavone et al. 2022. PubMed ID: 35177115). This variant is reported in 0.0029% of alleles in individuals of Latino descent in gnomAD. At this time, the clinical significance of this variant is uncertain due to the absence of conclusive functional and genetic evidence.